The following is an entry in ClinVar:

NM_001395159.1(UNC79):c.4206A>T (p.Gln1402His)

Gene: UNC79 (unc-79 homolog, NALCN channel complex subunit; plus strand). Cytogenetic location: 14q32.12.
Variant type: single nucleotide variant.
Coding change: c.4206A>T on transcript NM_001395159.1 (MANE Select); coding-DNA position 4206, A replaced by T.
Protein change: p.Gln1402His; replaces glutamine 1402 with histidine.
Molecular consequence: missense variant.
Genome position (GRCh38, 1-based): chr14:93,617,220, A>T. VCF-style: chr14-93617220-A-T. GRCh37 (hg19) VCF-style: chr14-94083566-A-T.
Other names: c.4140A>T, p.Gln1380His (NM_001346218.2); c.3609A>T, p.Gln1203His (NM_020818.5); short protein forms Q1203H, Q1380H, Q1402H.
Identifiers: ClinVar variation 3573840 (VCV003573840.1).

ClinVar aggregate classification (germline): Uncertain significance (1 of 4 stars; one submission).

Submission:

GeneDx
Classification: Uncertain significance. Last evaluated: 2024-07-19. Review status: criteria provided, single submitter. Criteria: GeneDx Variant Classification Process June 2021. Collection method: clinical testing. Allele origin: germline. Affected: yes.
Comment: Not observed at significant frequency in large population cohorts (gnomAD); In silico analysis indicates that this missense variant does not alter protein structure/function; Has not been previously published as pathogenic or benign to our knowledge